The following is an entry in ClinVar:

ClinVar aggregate classification (germline): Likely benign. Review status: criteria provided, multiple submitters, no conflicts (2 of 4 stars). 3 submissions from 3 submitters: Likely benign (2). 1 of the submissions does not count toward it. Last evaluated 2026-01-05.

Conditions:
ADAM9-related disorder. Also called: ADAM9-related condition.

Allele frequency attached by ClinVar (database versions not stated): gnomAD exomes 0.00001 and 0.00004; ExAC 0.00005; TOPMed 0.00009; gnomAD 0.00010 and 0.00011; 1000 Genomes Project 30x 0.00016; 1000 Genomes Project 0.00020.
gnomAD v4.1: 41 of 1,614,066 alleles (0.0025%); highest among the groups gnomAD compares: Admixed American, 0.017%; no homozygotes.

Submissions (3):

Labcorp Genetics (formerly Invitae), Labcorp
Classification: Likely benign. Last evaluated: 2026-01-05. Review status: criteria provided, single submitter. Criteria: Invitae Variant Classification Sherloc (09022015). Collection method: clinical testing. Allele origin: germline.

Blueprint Genetics
Classification: Likely benign. Last evaluated: 2024-11-01. Review status: criteria provided, single submitter. Criteria: ACMG Guidelines, 2015. Collection method: clinical testing. Allele origin: germline.

PreventionGenetics, part of Exact Sciences
Classification: Likely benign for ADAM9-related condition. Last evaluated: 2019-02-22. Review status: no assertion criteria provided. Collection method: clinical testing. Allele origin: germline. Not counted in ClinVar's aggregate classification.
Comment: This variant is classified as likely benign based on ACMG/AMP sequence variant interpretation guidelines (Richards et al. 2015 PMID: 25741868, with internal and published modifications).

NM_003816.3(ADAM9):c.978C>T (p.His326=)

Gene: ADAM9 (ADAM metallopeptidase domain 9; plus strand). Cytogenetic location: 8p11.22.
Variant type: single nucleotide variant.
Coding change: c.978C>T on transcript NM_003816.3 (MANE Select); coding-DNA position 978, C replaced by T.
Protein change: p.His326=; no amino-acid change (histidine 326 retained).
Molecular consequence: synonymous variant. On other transcripts: non-coding transcript variant (3).
Genome position (GRCh38, 1-based): chr8:39,025,866, C>T. VCF-style: chr8-39025866-C-T. GRCh37 (hg19) VCF-style: chr8-38883385-C-T.
Other names: c.978C>T (NM_003816.2).
Identifiers: ClinVar variation 1112515 (VCV001112515.10), dbSNP rs540503329, ClinGen allele CA4721489.